The following is an entry in ClinVar:

ClinVar aggregate classification (germline): Uncertain significance (1 of 4 stars; one submission).

gnomAD v4.1: 3 of 1,614,008 alleles (0.00019%); highest among the groups gnomAD compares: African/African-American, 0.004%; no homozygotes.

Submission:

GeneDx
Classification: Uncertain significance. Last evaluated: 2026-02-12. Review status: criteria provided, single submitter. Criteria: GeneDx Variant Classification Process June 2021. Collection method: clinical testing. Allele origin: germline.
Comment: Not observed at significant frequency in large population cohorts (gnomAD); In silico analysis supports that this missense variant has a deleterious effect on protein structure/function; Has not been previously published as pathogenic or benign to our knowledge

NM_000540.3(RYR1):c.2698A>G (p.Lys900Glu)

Gene: RYR1 (ryanodine receptor 1; plus strand). Cytogenetic location: 19q13.2.
Variant type: single nucleotide variant.
Coding change: c.2698A>G on transcript NM_000540.3 (MANE Select); coding-DNA position 2698, A replaced by G.
Protein change: p.Lys900Glu; replaces lysine 900 with glutamic acid.
Molecular consequence: missense variant.
Genome position (GRCh38, 1-based): chr19:38,463,762, A>G. VCF-style: chr19-38463762-A-G. GRCh37 (hg19) VCF-style: chr19-38954402-A-G.
Other names: c.2698A>G, p.Lys900Glu (NM_001042723.2); short protein forms K900E.
Identifiers: ClinVar variation 4976329 (VCV004976329.1).